The following is an entry in ClinVar:

NM_001365951.3(KIF1B):c.323T>C (p.Met108Thr)

Gene: KIF1B (kinesin family member 1B; plus strand). Cytogenetic location: 1p36.22.
Variant type: single nucleotide variant.
Coding change: c.323T>C on transcript NM_001365951.3 (MANE Select); coding-DNA position 323, T replaced by C.
Protein change: p.Met108Thr; replaces methionine 108 with threonine.
Molecular consequence: missense variant.
Genome position (GRCh38, 1-based): chr1:10,258,632, T>C. VCF-style: chr1-10258632-T-C. GRCh37 (hg19) VCF-style: chr1-10318690-T-C.
Other names: c.323T>C, p.Met108Thr (NM_001365952.1, NM_001365953.1, NM_015074.3 and 1 more transcripts); short protein forms M108T.
Identifiers: ClinVar variation 1729290 (VCV001729290.2), dbSNP rs2523465899, ClinGen allele CA338325538.

ClinVar aggregate classification (germline): Uncertain significance (1 of 4 stars; one submission).

Allele frequency attached by ClinVar (database versions not stated): gnomAD exomes below 0.00001.

Submission:

Ambry Genetics
Classification: Uncertain significance. Last evaluated: 2022-01-30. Review status: criteria provided, single submitter. Criteria: Ambry Variant Classification Scheme 2023. Collection method: clinical testing. Allele origin: germline.
Comment: The p.M108T variant (also known as c.323T>C), located in coding exon 3 of the KIF1B gene, results from a T to C substitution at nucleotide position 323. The methionine at codon 108 is replaced by threonine, an amino acid with similar properties. This amino acid position is conserved. In addition, this alteration is predicted to be deleterious by in silico analysis. Since supporting evidence is limited at this time, the clinical significance of this alteration remains unclear.